The following is an entry in ClinVar:

NM_058163.3(TSR2):c.442-17_442-16del

Gene: TSR2 (TSR2 ribosome maturation factor; plus strand). Cytogenetic location: Xp11.22.
Variant type: Deletion.
Coding change: c.442-17_442-16del on transcript NM_058163.3 (MANE Select); 17 bases into the intron before coding-DNA position 442 through 16 bases into the intron before coding-DNA position 442, 2 bases deleted (TT; older notation c.442-17_442-16delTT).
Molecular consequence: intron variant.
Genome position (GRCh38, 1-based): chrX:54,444,399-54,444,400, TT deleted; deleting any 2 consecutive bases within chrX:54,444,397-54,444,400 gives the same sequence; the c. name uses the placement nearest the transcript's 3' end. VCF-style (leftmost placement, unchanged base first): chrX-54444396-CTT-C. GRCh37 (hg19) VCF-style: chrX-54470829-CTT-C.
Other names: c.157-17_157-16del (NM_001346791.2, NM_001346790.2, NM_001346792.2); c.433-17_433-16del (NM_001346789.2).
Identifiers: ClinVar variation 1973525 (VCV001973525.5), dbSNP rs2522677685, ClinGen allele CA2580101246.

ClinVar aggregate classification (germline): Uncertain significance (1 of 4 stars; one submission).

Submission:

Labcorp Genetics (formerly Invitae), Labcorp
Classification: Uncertain significance. Last evaluated: 2022-10-07. Review status: criteria provided, single submitter. Criteria: Invitae Variant Classification Sherloc (09022015). Collection method: clinical testing. Allele origin: germline.
Comment: This sequence change falls in intron 4 of the TSR2 gene. It does not directly change the encoded amino acid sequence of the TSR2 protein. This variant is not present in population databases (gnomAD no frequency). This variant has not been reported in the literature in individuals affected with TSR2-related conditions. Experimental studies and prediction algorithms are not available or were not evaluated, and the effect of this variant on mRNA splicing is currently unknown. In summary, the available evidence is currently insufficient to determine the role of this variant in disease. Therefore, it has been classified as a Variant of Uncertain Significance.